The following is an entry in ClinVar:

NM_014208.3(DSPP):c.2841C>T (p.Ser947=)

Genes: DMP1-AS1 (DMP1 and DSPP antisense RNA 1; minus strand), DSPP (dentin sialophosphoprotein; plus strand). Cytogenetic location: 4q22.1.
Variant type: single nucleotide variant.
Coding change: c.2841C>T on transcript NM_014208.3 (MANE Select); coding-DNA position 2841, C replaced by T.
Protein change: p.Ser947=; no amino-acid change (serine 947 retained).
Molecular consequence: synonymous variant.
Genome position (GRCh38, 1-based): chr4:87,615,503, C>T. VCF-style: chr4-87615503-C-T. GRCh37 (hg19) VCF-style: chr4-88536655-C-T.
Identifiers: ClinVar variation 3777858 (VCV003777858.7).

ClinVar aggregate classification (germline): Likely benign (1 of 4 stars; one submission).

Submission:

CeGaT Center for Human Genetics Tuebingen
Classification: Likely benign. Last evaluated: 2025-03-01. Review status: criteria provided, single submitter. Criteria: CeGaT Center For Human Genetics Tuebingen Variant Classification Criteria Version 2. Collection method: clinical testing. Allele origin: germline. Affected: yes. Observed: 1 variant allele.
Comment: DSPP: PM2:Supporting, BP4, BP7